The following is an entry in ClinVar:

ClinVar aggregate classification (germline): Benign. Review status: criteria provided, multiple submitters, no conflicts (2 of 4 stars). 2 submissions from 2 submitters: Benign (2). Last evaluated 2018-06-16.

Allele frequency attached by ClinVar (database versions not stated): gnomAD exomes 0.00197; ESP Exome Variant Server 0.01577; gnomAD 0.01713 and 0.01820; TOPMed 0.01914; 1000 Genomes Project 0.02037; 1000 Genomes Project 30x 0.02280.
gnomAD v4.1: 5,449 of 1,503,054 alleles (0.36%); highest among the groups gnomAD compares: African/African-American, 5.7%; 146 homozygotes.

Submissions (2):

GeneDx
Classification: Benign. Last evaluated: 2018-06-16. Review status: criteria provided, single submitter. Criteria: GeneDx Variant Classification (06012015). Collection method: clinical testing. Allele origin: germline. Affected: yes.
Comment: This variant is considered likely benign or benign based on one or more of the following criteria: it is a conservative change, it occurs at a poorly conserved position in the protein, it is predicted to be benign by multiple in silico algorithms, and/or has population frequency not consistent with disease.

Breakthrough Genomics
Classification: Benign. Review status: criteria provided, single submitter. Criteria: ACMG Guidelines, 2015. Collection method: not provided. Allele origin: germline. Inheritance: Autosomal recessive inheritance. Affected: yes.

NM_004369.4(COL6A3):c.6967-60A>G

Gene: COL6A3 (collagen type VI alpha 3 chain; minus strand). Cytogenetic location: 2q37.3.
Variant type: single nucleotide variant.
Coding change: c.6967-60A>G on transcript NM_004369.4 (MANE Select); 60 bases into the intron before coding-DNA position 6967, A replaced by G.
Molecular consequence: intron variant.
Genome position (GRCh38, 1-based): chr2:237,347,929, T>C on the plus strand (A>G on the coding strand, the complement: COL6A3 is on the minus strand). VCF-style: chr2-237347929-T-C. GRCh37 (hg19) VCF-style: chr2-238256572-T-C.
Other names: c.5146-60A>G (NM_057166.5); c.6349-60A>G (NM_057167.4).
Identifiers: ClinVar variation 679532 (VCV000679532.2), dbSNP rs57728742, ClinGen allele CA67842420.